The following is an entry in ClinVar:

NM_024757.5(EHMT1):c.2356G>T (p.Val786Leu)

Gene: EHMT1 (euchromatic histone lysine methyltransferase 1; plus strand). Cytogenetic location: 9q34.3.
Variant type: single nucleotide variant.
Coding change: c.2356G>T on transcript NM_024757.5 (MANE Select); coding-DNA position 2356, G replaced by T.
Protein change: p.Val786Leu; replaces valine 786 with leucine.
Molecular consequence: missense variant.
Genome position (GRCh38, 1-based): chr9:137,782,371, G>T. VCF-style: chr9-137782371-G-T. GRCh37 (hg19) VCF-style: chr9-140676823-G-T.
Other names: c.2356G>T, p.Val786Leu (NM_001145527.2); c.2263G>T, p.Val755Leu (NM_001354259.2); c.2335G>T, p.Val779Leu (NM_001354263.2); short protein forms V779L, V755L, V786L.
Identifiers: ClinVar variation 944456 (VCV000944456.10), dbSNP rs398124405, ClinGen allele CA375783179.

ClinVar aggregate classification (germline): Uncertain significance (1 of 4 stars; one submission).

Conditions:
Kleefstra syndrome 1 (KLEFS1). Identifiers: Orphanet 261494, MedGen C0795833, MONDO:0027407, OMIM 610253.

Submission:

Labcorp Genetics (formerly Invitae), Labcorp
Classification: Uncertain significance for Kleefstra syndrome 1. Last evaluated: 2019-06-09. Review status: criteria provided, single submitter. Criteria: Invitae Variant Classification Sherloc (09022015). Collection method: clinical testing. Allele origin: germline.
Comment: This sequence change replaces valine with leucine at codon 786 of the EHMT1 protein (p.Val786Leu). The valine residue is moderately conserved and there is a small physicochemical difference between valine and leucine. In summary, the available evidence is currently insufficient to determine the role of this variant in disease. Therefore, it has been classified as a Variant of Uncertain Significance. Algorithms developed to predict the effect of missense changes on protein structure and function (SIFT, PolyPhen-2, Align-GVGD) all suggest that this variant is likely to be tolerated, but these predictions have not been confirmed by published functional studies and their clinical significance is uncertain. This variant has not been reported in the literature in individuals with EHMT1-related conditions. This variant is not present in population databases (ExAC no frequency).